The following is an entry in ClinVar:

NM_004628.5(XPC):c.622-2A>G

Gene: XPC (XPC complex subunit, DNA damage recognition and repair factor; minus strand). Cytogenetic location: 3p25.1.
Variant type: single nucleotide variant.
Coding change: c.622-2A>G on transcript NM_004628.5 (MANE Select); the canonical splice acceptor site of the intron before coding-DNA position 622, A replaced by G.
Molecular consequence: splice acceptor variant.
Genome position (GRCh38, 1-based): chr3:14,165,587, T>C on the plus strand (A>G on the coding strand, the complement: XPC is on the minus strand). VCF-style: chr3-14165587-T-C. GRCh37 (hg19) VCF-style: chr3-14207087-T-C.
Other names: c.604-2A>G (NM_001354729.2); c.43-2A>G (NM_001354726.2); c.622-2A>G (NM_001354730.2, NM_001354727.2).
Identifiers: ClinVar variation 550100 (VCV000550100.37), dbSNP rs201940931, ClinGen allele CA351542228.

ClinVar aggregate classification (germline): Pathogenic. Review status: criteria provided, multiple submitters, no conflicts (2 of 4 stars). 7 submissions from 7 submitters: Pathogenic (4). 3 of the submissions do not count toward it. Last evaluated 2024-02-01.

Conditions:
Xeroderma pigmentosum, group C (XPC). Also called: XERODERMA PIGMENTOSUM III; XP, GROUP C; Xeroderma pigmentosum, complementation group C; XPC-Related Xeroderma Pigmentosum. Identifiers: Orphanet 910, MedGen C2752147, MONDO:0010211, OMIM 278720.

Allele frequency attached by ClinVar (database versions not stated): TOPMed below 0.00001.

Submissions (7):

CeGaT Center for Human Genetics Tuebingen
Classification: Pathogenic. Last evaluated: 2024-02-01. Review status: criteria provided, single submitter. Criteria: CeGaT Center For Human Genetics Tuebingen Variant Classification Criteria Version 2. Collection method: clinical testing. Allele origin: germline. Affected: yes. Observed: 1 variant allele.
Comment: XPC: PVS1, PM2, PM3, PS3:Supporting

Labcorp Genetics (formerly Invitae), Labcorp
Classification: Pathogenic. Last evaluated: 2023-02-24. Review status: criteria provided, single submitter. Criteria: Invitae Variant Classification Sherloc (09022015). Collection method: clinical testing. Allele origin: germline.
Comment: For these reasons, this variant has been classified as Pathogenic. Studies have shown that disruption of this splice site results in 83 bp insertion of intron 5 and introduces a premature termination codon (PMID: 16081512). The resulting mRNA is expected to undergo nonsense-mediated decay. Studies have shown that disruption of this splice site alters XPC gene expression (PMID: 16081512). ClinVar contains an entry for this variant (Variation ID: 550100). This variant is also known as Intron 5.1 A>G at -2. Disruption of this splice site has been observed in individual(s) with xeroderma pigmentosum (PMID: 16081512, 17079196). In at least one individual the data is consistent with being in trans (on the opposite chromosome) from a pathogenic variant. This variant is present in population databases (no rsID available, gnomAD 0.0009%). This sequence change affects an acceptor splice site in intron 5 of the XPC gene. RNA analysis indicates that disruption of this splice site induces altered splicing and may result in an absent or disrupted protein product.

Baylor Genetics
Classification: Pathogenic for Xeroderma pigmentosum, group C. Last evaluated: 2021-12-21. Review status: criteria provided, single submitter. Criteria: ACMG Guidelines, 2015. Collection method: clinical testing. Allele origin: unknown.

Institute for Clinical Genetics, University Hospital TU Dresden, University Hospital TU Dresden
Classification: Pathogenic. Last evaluated: 2021-11-03. Review status: criteria provided, single submitter. Criteria: ACMG Guidelines, 2015. Collection method: clinical testing. Allele origin: germline.

Counsyl
Classification: Likely pathogenic for Xeroderma pigmentosum, group C. Last evaluated: 2017-01-05. Review status: no assertion criteria provided. Collection method: clinical testing. Allele origin: unknown. Not counted in ClinVar's aggregate classification.

Clinical Genetics DNA and cytogenetics Diagnostics Lab, Erasmus MC, Erasmus Medical Center
Classification: Pathogenic. Review status: no assertion criteria provided. Collection method: clinical testing. Allele origin: germline. Affected: yes. Study: VKGL Data-share Consensus. Not counted in ClinVar's aggregate classification.

Diagnostic Laboratory, Department of Genetics, University Medical Center Groningen
Classification: Pathogenic. Review status: no assertion criteria provided. Collection method: clinical testing. Allele origin: germline. Affected: yes. Study: VKGL Data-share Consensus. Not counted in ClinVar's aggregate classification.

Literature cited by the submitters: PubMed 16081512 (cited by Labcorp Genetics (formerly Invitae), Labcorp and Counsyl); PubMed 17079196 (cited by Labcorp Genetics (formerly Invitae), Labcorp).